The following is an entry in ClinVar:

NM_000268.4(NF2):c.-5G>T

Gene: NF2 (NF2, moesin-ezrin-radixin like (MERLIN) tumor suppressor; plus strand). Cytogenetic location: 22q12.2.
Variant type: single nucleotide variant.
Coding change: c.-5G>T on transcript NM_000268.4 (MANE Select); 5 bases upstream of the start codon, G replaced by T.
Molecular consequence: 5 prime UTR variant. On other transcripts: non-coding transcript variant (1).
Genome position (GRCh38, 1-based): chr22:29,603,994, G>T. VCF-style: chr22-29603994-G-T. GRCh37 (hg19) VCF-style: chr22-29999983-G-T.
Other names: c.-235G>T (NM_001407053.1, NM_001407056.1); c.-5G>T (NM_001407054.1, NM_001407055.1, NM_001407057.1 and 15 more transcripts); c.-645G>T (NM_001407065.1); c.-261G>T (NM_001407067.1).
Identifiers: ClinVar variation 2447480 (VCV002447480.4), dbSNP rs1435515993, ClinGen allele CA752278432.

ClinVar aggregate classification (germline): Uncertain significance. Review status: criteria provided, multiple submitters, no conflicts (2 of 4 stars). 2 submissions from 2 submitters: Uncertain significance (2). Last evaluated 2025-03-25.

Conditions:
Neurofibromatosis, type 2 (SWNV). Also called: BILATERAL ACOUSTIC NEUROFIBROMATOSIS; SCHWANNOMATOSIS, VESTIBULAR; NF2-Related Schwannomatosis. Identifiers: Orphanet 637, MedGen C0027832, MONDO:0007039, OMIM 101000. Disease mechanism: loss of function.
Hereditary cancer-predisposing syndrome. Also called: Hereditary neoplastic syndrome; Hereditary Cancer Syndrome; Tumor predisposition; Neoplastic Syndromes, Hereditary. Identifiers: Orphanet 140162, MedGen C0027672, MeSH D009386, MONDO:0015356.

Allele frequency attached by ClinVar (database versions not stated): TOPMed below 0.00001; gnomAD 0.00001.

Submissions (2):

Ambry Genetics
Classification: Uncertain significance for Hereditary cancer-predisposing syndrome. Last evaluated: 2025-03-25. Review status: criteria provided, single submitter. Criteria: Ambry Variant Classification Scheme 2023. Collection method: clinical testing. Allele origin: germline.
Comment: The c.-5G>T variant is located in the 5' untranslated region (5&rsquo; UTR) of the NF2 gene. This variant results from a G to T substitution 5 bases upstream from the first translated codon. This nucleotide position is well conserved in available vertebrate species. Since supporting evidence is limited at this time, the clinical significance of this alteration remains unclear.

All of Us Research Program, National Institutes of Health
Classification: Uncertain significance for Neurofibromatosis, type 2. Last evaluated: 2023-08-15. Review status: criteria provided, single submitter. Criteria: ACMG Guidelines, 2015. Collection method: clinical testing. Allele origin: germline. Inheritance: Autosomal dominant inheritance. Observed: 1 variant allele, 1 heterozygote.
Comment: This variant causes a G to T nucleotide substitution at the -5 position in the 5' untranslated region in the NF2 gene. This variant is located in a poorly conserved position in the Kozak consensus sequence (PMID: 3313277). To our knowledge, functional studies have not been reported for this variant. This variant has not been reported in individuals affected with NF2-related disorders in the literature. This variant has not been identified in the general population by the Genome Aggregation Database (gnomAD). The available evidence is insufficient to determine the role of this variant in disease conclusively. Therefore, this variant is classified as a Variant of Uncertain Significance.

This study involves interpretation of variants in research participants for the purpose of population health screening. Participant phenotype was not available at the time of variant classification. Additional details can be found in publication PMID: 35346344, PMCID: PMC8962531

Literature cited by the submitters: PubMed 3313277 (cited by All of Us Research Program, National Institutes of Health).